The following is an entry in ClinVar:

NM_178822.5(IGSF10):c.2885G>A (p.Ser962Asn)

Gene: IGSF10 (immunoglobulin superfamily member 10; minus strand). Cytogenetic location: 3q25.1.
Variant type: single nucleotide variant.
Coding change: c.2885G>A on transcript NM_178822.5 (MANE Select); coding-DNA position 2885, G replaced by A.
Protein change: p.Ser962Asn; replaces serine 962 with asparagine.
Molecular consequence: missense variant.
Genome position (GRCh38, 1-based): chr3:151,447,096, C>T on the plus strand (G>A on the coding strand, the complement: IGSF10 is on the minus strand). VCF-style: chr3-151447096-C-T. GRCh37 (hg19) VCF-style: chr3-151164884-C-T.
Other names: c.2885G>A (NM_178822.4); c.2885G>A, p.Ser962Asn (NM_001385060.1, NM_001385061.1, NM_001385062.1 and 1 more transcripts); short protein forms S962N.
Identifiers: ClinVar variation 2710438 (VCV002710438.4), dbSNP rs748648765, ClinGen allele CA2670272.

ClinVar aggregate classification (germline): Uncertain significance. Review status: criteria provided, multiple submitters, no conflicts (2 of 4 stars). 2 submissions from 2 submitters: Uncertain significance (2). Last evaluated 2025-08-04.

Allele frequency attached by ClinVar (database versions not stated): TOPMed 0.00003; gnomAD exomes 0.00004; ExAC 0.00008.
gnomAD v4.1: 25 of 1,614,216 alleles (0.0015%); highest among the groups gnomAD compares: Admixed American, 0.042%; no homozygotes.

Submissions (2):

Ambry Genetics
Classification: Uncertain significance. Last evaluated: 2025-08-04. Review status: criteria provided, single submitter. Criteria: Ambry Variant Classification Scheme 2023. Collection method: clinical testing. Allele origin: germline.

Labcorp Genetics (formerly Invitae), Labcorp
Classification: Uncertain significance. Last evaluated: 2025-03-25. Review status: criteria provided, single submitter. Criteria: Invitae Variant Classification Sherloc (09022015). Collection method: clinical testing. Allele origin: germline.
Comment: This sequence change replaces serine, which is neutral and polar, with asparagine, which is neutral and polar, at codon 962 of the IGSF10 protein (p.Ser962Asn). This variant is present in population databases (rs748648765, gnomAD 0.07%), and has an allele count higher than expected for a pathogenic variant. This variant has not been reported in the literature in individuals affected with IGSF10-related conditions. ClinVar contains an entry for this variant (Variation ID: 2710438). An algorithm developed to predict the effect of missense changes on protein structure and function outputs the following: PolyPhen-2: "Benign". The asparagine amino acid residue is found in multiple mammalian species, which suggests that this missense change does not adversely affect protein function. In summary, the available evidence is currently insufficient to determine the role of this variant in disease. Therefore, it has been classified as a Variant of Uncertain Significance.